The following is an entry in ClinVar:

NM_005157.6(ABL1):c.843A>G (p.Glu281=)

Gene: ABL1 (ABL proto-oncogene 1, non-receptor tyrosine kinase; plus strand). Cytogenetic location: 9q34.12.
Variant type: single nucleotide variant.
Coding change: c.843A>G on transcript NM_005157.6 (MANE Select); coding-DNA position 843, A replaced by G.
Protein change: p.Glu281=; no amino-acid change (glutamic acid 281 retained).
Molecular consequence: synonymous variant.
Genome position (GRCh38, 1-based): chr9:130,872,149, A>G. VCF-style: chr9-130872149-A-G. GRCh37 (hg19) VCF-style: chr9-133747536-A-G.
Other names: c.900A>G, p.Glu300= (NM_007313.3).
Identifiers: ClinVar variation 724351 (VCV000724351.10), dbSNP rs141920514, ClinGen allele CA5285307.

ClinVar aggregate classification (germline): Benign. Review status: criteria provided, single submitter (1 of 4 stars). 2 submissions from 2 submitters: Benign (1). 1 of the submissions does not count toward it. Last evaluated 2025-11-10.

Conditions:
ABL1-related disorder. Also called: ABL1-related condition.

Allele frequency attached by ClinVar (database versions not stated): gnomAD 0.00040 and 0.00043; ESP Exome Variant Server 0.00046; TOPMed 0.00046; gnomAD exomes 0.00006 and 0.00013; ExAC 0.00015; 1000 Genomes Project 30x 0.00016; 1000 Genomes Project 0.00020.
gnomAD v4.1: 156 of 1,614,196 alleles (0.0097%); highest among the groups gnomAD compares: African/African-American, 0.14%; 1 homozygote.

Submissions (2):

Labcorp Genetics (formerly Invitae), Labcorp
Classification: Benign. Last evaluated: 2025-11-10. Review status: criteria provided, single submitter. Criteria: Invitae Variant Classification Sherloc (09022015). Collection method: clinical testing. Allele origin: germline.

PreventionGenetics, part of Exact Sciences
Classification: Likely benign for ABL1-related condition. Last evaluated: 2019-03-26. Review status: no assertion criteria provided. Collection method: clinical testing. Allele origin: germline. Not counted in ClinVar's aggregate classification.
Comment: This variant is classified as likely benign based on ACMG/AMP sequence variant interpretation guidelines (Richards et al. 2015 PMID: 25741868, with internal and published modifications).